The following is an entry in ClinVar:

NM_206933.4(USH2A):c.1850G>A (p.Cys617Tyr)

Gene: USH2A (usherin; minus strand). Cytogenetic location: 1q41.
Variant type: single nucleotide variant.
Coding change: c.1850G>A on transcript NM_206933.4 (MANE Select); coding-DNA position 1850, G replaced by A.
Protein change: p.Cys617Tyr; replaces cysteine 617 with tyrosine.
Molecular consequence: missense variant.
Genome position (GRCh38, 1-based): chr1:216,289,401, C>T on the plus strand (G>A on the coding strand, the complement: USH2A is on the minus strand). VCF-style: chr1-216289401-C-T. GRCh37 (hg19) VCF-style: chr1-216462743-C-T.
Other names: c.1850G>A, p.Cys617Tyr (NM_007123.6); short protein forms C617Y.
Identifiers: ClinVar variation 1723456 (VCV001723456.1), dbSNP rs2528250720, ClinGen allele CA344902953.

ClinVar aggregate classification (germline): Pathogenic (0 of 4 stars; one submission).

Conditions:
Usher syndrome type 2. Also called: Usher Syndrome Type II. Identifiers: Orphanet 231178, MedGen C0339534, MONDO:0016484.

Submission:

Ophthalmo-Genetics Lab, Instituto de Oftalmologia Conde de Valenciana
Classification: Pathogenic for Usher syndrome type 2. Last evaluated: 2022-11-14. Review status: no assertion criteria provided. Collection method: clinical testing. Allele origin: germline. Inheritance: Autosomal recessive inheritance. Affected: yes. Observed: 1 compound heterozygote.
Comment: Novel pathogenic variant. PP1 (manual), PP4 (manual), PM3 (manual), PP3, PM2.

Literature cited by the submitters: PubMed 35076463.